The following is an entry in ClinVar:

ClinVar aggregate classification (germline): Uncertain significance (1 of 4 stars; one submission).

Conditions:
3-methylcrotonyl-CoA carboxylase 1 deficiency (MCC1D). Also called: MCC 1 deficiency; 3 Alpha methylcrotonylglycinuria 1; MCCD TYPE 1; METHYLCROTONYLGLYCINURIA TYPE I. Identifiers: Orphanet 6, MedGen CN028786, MONDO:0008861, OMIM 210200.

Allele frequency attached by ClinVar (database versions not stated): gnomAD exomes below 0.00001; TOPMed 0.00001.
gnomAD v4.1: 1 of 1,610,770 alleles (0.000062%); highest among the groups gnomAD compares: Non-Finnish European, 0.000085%; no homozygotes.

Submission:

Labcorp Genetics (formerly Invitae), Labcorp
Classification: Uncertain significance for 3-methylcrotonyl-CoA carboxylase 1 deficiency. Last evaluated: 2024-11-11. Review status: criteria provided, single submitter. Criteria: Invitae Variant Classification Sherloc (09022015). Collection method: clinical testing. Allele origin: germline.
Comment: This sequence change replaces valine, which is neutral and non-polar, with alanine, which is neutral and non-polar, at codon 269 of the MCCC1 protein (p.Val269Ala). This variant is not present in population databases (gnomAD no frequency). This variant has not been reported in the literature in individuals affected with MCCC1-related conditions. ClinVar contains an entry for this variant (Variation ID: 1430643). Invitae Evidence Modeling of protein sequence and biophysical properties (such as structural, functional, and spatial information, amino acid conservation, physicochemical variation, residue mobility, and thermodynamic stability) has been performed for this missense variant. However, the output from this modeling did not meet the statistical confidence thresholds required to predict the impact of this variant on MCCC1 protein function. In summary, the available evidence is currently insufficient to determine the role of this variant in disease. Therefore, it has been classified as a Variant of Uncertain Significance.

NM_020166.5(MCCC1):c.806T>C (p.Val269Ala)

Gene: MCCC1 (methylcrotonyl-CoA carboxylase subunit 1; minus strand). Cytogenetic location: 3q27.1.
Variant type: single nucleotide variant.
Coding change: c.806T>C on transcript NM_020166.5 (MANE Select); coding-DNA position 806, T replaced by C.
Protein change: p.Val269Ala; replaces valine 269 with alanine.
Molecular consequence: missense variant. On other transcripts: non-coding transcript variant (2).
Genome position (GRCh38, 1-based): chr3:183,057,378, A>G on the plus strand (T>C on the coding strand, the complement: MCCC1 is on the minus strand). VCF-style: chr3-183057378-A-G. GRCh37 (hg19) VCF-style: chr3-182775166-A-G.
Other names: c.455T>C, p.Val152Ala (NM_001293273.2); c.479T>C, p.Val160Ala (NM_001363880.1); short protein forms V160A, V269A, V152A.
Identifiers: ClinVar variation 1430643 (VCV001430643.8), dbSNP rs1315920706, ClinGen allele CA355327833.